The following is an entry in ClinVar:

ClinVar aggregate classification (germline): Uncertain significance. Review status: criteria provided, multiple submitters, no conflicts (2 of 4 stars). 2 submissions from 2 submitters: Uncertain significance (2). Last evaluated 2024-05-23.

Conditions:
Combined oxidative phosphorylation defect type 27. Also called: Combined oxidative phosphorylation deficiency 27. Identifiers: Orphanet 477774, MedGen C5567608, MONDO:0014728, OMIM 616672.
Inborn genetic diseases. Identifiers: MedGen C0950123, MeSH D030342.

Allele frequency attached by ClinVar (database versions not stated): gnomAD 0.00001; gnomAD exomes 0.00001.
gnomAD v4.1: 19 of 1,552,118 alleles (0.0012%); highest among the groups gnomAD compares: Non-Finnish European, 0.0012%; no homozygotes.

Submissions (2):

Ambry Genetics
Classification: Uncertain significance for Inborn genetic diseases. Last evaluated: 2024-05-23. Review status: criteria provided, single submitter. Criteria: Ambry Variant Classification Scheme 2023. Collection method: clinical testing. Allele origin: germline.

Labcorp Genetics (formerly Invitae), Labcorp
Classification: Uncertain significance for Combined oxidative phosphorylation defect type 27. Last evaluated: 2023-10-26. Review status: criteria provided, single submitter. Criteria: Invitae Variant Classification Sherloc (09022015). Collection method: clinical testing. Allele origin: germline.
Comment: This sequence change replaces arginine, which is basic and polar, with cysteine, which is neutral and slightly polar, at codon 530 of the CARS2 protein (p.Arg530Cys). This variant is present in population databases (no rsID available, gnomAD 0.002%). This variant has not been reported in the literature in individuals affected with CARS2-related conditions. ClinVar contains an entry for this variant (Variation ID: 1420448). Advanced modeling of protein sequence and biophysical properties (such as structural, functional, and spatial information, amino acid conservation, physicochemical variation, residue mobility, and thermodynamic stability) performed at Invitae indicates that this missense variant is expected to disrupt CARS2 protein function with a positive predictive value of 80%. In summary, the available evidence is currently insufficient to determine the role of this variant in disease. Therefore, it has been classified as a Variant of Uncertain Significance.

NM_024537.4(CARS2):c.1588C>T (p.Arg530Cys)

Gene: CARS2 (cysteinyl-tRNA synthetase 2, mitochondrial; minus strand). Cytogenetic location: 13q34.
Variant type: single nucleotide variant.
Coding change: c.1588C>T on transcript NM_024537.4 (MANE Select); coding-DNA position 1588, C replaced by T.
Protein change: p.Arg530Cys; replaces arginine 530 with cysteine.
Molecular consequence: missense variant. On other transcripts: non-coding transcript variant (2).
Genome position (GRCh38, 1-based): chr13:110,642,350, G>A on the plus strand (C>T on the coding strand, the complement: CARS2 is on the minus strand). VCF-style: chr13-110642350-G-A. GRCh37 (hg19) VCF-style: chr13-111294697-G-A.
Other names: c.802C>T, p.Arg268Cys (NM_001352252.2); c.1588C>T (NM_024537.2); short protein forms R268C, R530C.
Identifiers: ClinVar variation 1420448 (VCV001420448.6), dbSNP rs1368294658, ClinGen allele CA388740081.